The following is an entry in ClinVar:

NM_000321.3(RB1):c.1472T>A (p.Leu491His)

Gene: RB1 (RB transcriptional corepressor 1; plus strand). Cytogenetic location: 13q14.2.
Variant type: single nucleotide variant.
Coding change: c.1472T>A on transcript NM_000321.3 (MANE Select); coding-DNA position 1472, T replaced by A.
Protein change: p.Leu491His; replaces leucine 491 with histidine.
Molecular consequence: missense variant.
Genome position (GRCh38, 1-based): chr13:48,380,215, T>A. VCF-style: chr13-48380215-T-A. GRCh37 (hg19) VCF-style: chr13-48954351-T-A.
Other names: short protein forms L491H.
Identifiers: ClinVar variation 574112 (VCV000574112.10), dbSNP rs587778848, ClinGen allele CA388162872.

ClinVar aggregate classification (germline): Uncertain significance. Review status: criteria provided, multiple submitters, no conflicts (2 of 4 stars). 2 submissions from 2 submitters: Uncertain significance (2). Last evaluated 2024-03-14.

Conditions:
Hereditary cancer-predisposing syndrome. Also called: Neoplastic Syndromes, Hereditary; Hereditary Cancer Syndrome; Tumor predisposition; Hereditary neoplastic syndrome. Identifiers: Orphanet 140162, MedGen C0027672, MeSH D009386, MONDO:0015356.
Retinoblastoma (RB1). Also called: RETINOBLASTOMA, SOMATIC. Identifiers: Orphanet 790, MedGen C0035335, MeSH D012175, MONDO:0008380, OMIM 180200, HP:0009919. Disease mechanism: loss of function. Inheritance: Both sporadic and heritable forms are tested..

Submissions (2):

Labcorp Genetics (formerly Invitae), Labcorp
Classification: Uncertain significance for Retinoblastoma. Last evaluated: 2024-03-14. Review status: criteria provided, single submitter. Criteria: Invitae Variant Classification Sherloc (09022015). Collection method: clinical testing. Allele origin: germline.
Comment: This sequence change replaces leucine, which is neutral and non-polar, with histidine, which is basic and polar, at codon 491 of the RB1 protein (p.Leu491His). This variant is not present in population databases (gnomAD no frequency). This variant has not been reported in the literature in individuals affected with RB1-related conditions. ClinVar contains an entry for this variant (Variation ID: 574112). Advanced modeling of protein sequence and biophysical properties (such as structural, functional, and spatial information, amino acid conservation, physicochemical variation, residue mobility, and thermodynamic stability) performed at Invitae indicates that this missense variant is expected to disrupt RB1 protein function with a positive predictive value of 80%. In summary, the available evidence is currently insufficient to determine the role of this variant in disease. Therefore, it has been classified as a Variant of Uncertain Significance.

Ambry Genetics
Classification: Uncertain significance for Hereditary cancer-predisposing syndrome. Last evaluated: 2023-02-12. Review status: criteria provided, single submitter. Criteria: Ambry Variant Classification Scheme 2023. Collection method: clinical testing. Allele origin: germline.
Comment: The p.L491H variant (also known as c.1472T>A), located in coding exon 16 of the RB1 gene, results from a T to A substitution at nucleotide position 1472. The leucine at codon 491 is replaced by histidine, an amino acid with similar properties. This amino acid position is conserved. In addition, this alteration is predicted to be deleterious by in silico analysis. Since supporting evidence is limited at this time, the clinical significance of this alteration remains unclear.